The following is an entry in ClinVar:

NM_018297.4(NGLY1):c.448A>G (p.Arg150Gly)

Gene: NGLY1 (N-glycanase 1; minus strand). Cytogenetic location: 3p24.2.
Variant type: single nucleotide variant.
Coding change: c.448A>G on transcript NM_018297.4 (MANE Select); coding-DNA position 448, A replaced by G.
Protein change: p.Arg150Gly; replaces arginine 150 with glycine.
Molecular consequence: missense variant.
Genome position (GRCh38, 1-based): chr3:25,764,110, T>C on the plus strand (A>G on the coding strand, the complement: NGLY1 is on the minus strand). VCF-style: chr3-25764110-T-C. GRCh37 (hg19) VCF-style: chr3-25805601-T-C.
Other names: c.448A>G, p.Arg150Gly (NM_001145293.2, NM_001145295.2); c.322A>G, p.Arg108Gly (NM_001145294.2); short protein forms R108G, R150G.
Identifiers: ClinVar variation 578472 (VCV000578472.6), dbSNP rs1559551749, ClinGen allele CA351908644.

ClinVar aggregate classification (germline): Uncertain significance (1 of 4 stars; one submission).

Conditions:
Congenital disorder of deglycosylation (CDDG). Identifiers: MedGen C3808991, MONDO:0031376.

Allele frequency attached by ClinVar (database versions not stated): gnomAD exomes below 0.00001.
gnomAD v4.1: 1 of 1,614,236 alleles (0.000062%); highest among the groups gnomAD compares: East Asian, 0.0022%; no homozygotes.

Submission:

Labcorp Genetics (formerly Invitae), Labcorp
Classification: Uncertain significance for Congenital disorder of deglycosylation. Last evaluated: 2018-05-21. Review status: criteria provided, single submitter. Criteria: Invitae Variant Classification Sherloc (09022015). Collection method: clinical testing. Allele origin: germline.
Comment: In summary, the available evidence is currently insufficient to determine the role of this variant in disease. Therefore, it has been classified as a Variant of Uncertain Significance. Algorithms developed to predict the effect of missense changes on protein structure and function output the following: SIFT: "Tolerated"; PolyPhen-2: "Benign"; Align-GVGD: "Class C0". The glycine amino acid residue is found in multiple mammalian species, suggesting that this missense change does not adversely affect protein function. These predictions have not been confirmed by published functional studies and their clinical significance is uncertain. This variant has not been reported in the literature in individuals with NGLY1-related disease. This variant is not present in population databases (ExAC no frequency). This sequence change replaces arginine with glycine at codon 150 of the NGLY1 protein (p.Arg150Gly). The arginine residue is weakly conserved and there is a moderate physicochemical difference between arginine and glycine.